The following is an entry in ClinVar:

NM_000297.4(PKD2):c.607dup (p.Thr203fs)

Gene: PKD2 (polycystin 2, transient receptor potential cation channel; plus strand). Cytogenetic location: 4q22.1.
Variant type: Duplication.
Coding change: c.607dup on transcript NM_000297.4 (MANE Select); coding-DNA position 607, one base duplicated (A; older notation c.607dupA).
Protein change: p.Thr203fs; shifts the reading frame from threonine 203.
Molecular consequence: frameshift variant. On other transcripts: non-coding transcript variant (1).
Genome position (GRCh38, 1-based): chr4:88,019,469, A duplicated; the last of 2 consecutive A bases (chr4:88,019,468-88,019,469); duplicating either gives the same sequence. VCF-style (leftmost placement, unchanged base first): chr4-88019467-G-GA. GRCh37 (hg19) VCF-style: chr4-88940619-G-GA.
Other names: c.607dup, p.Thr203fs (NM_001440544.1); short protein forms T203fs.
Identifiers: ClinVar variation 4813742 (VCV004813742.1).

ClinVar aggregate classification (germline): Likely pathogenic (1 of 4 stars; one submission).

Conditions:
Polycystic kidney disease 2 (PKD2). Also called: Polycystic Kidney Disease 2, Autosomal Dominant; POLYCYSTIC KIDNEY DISEASE 2 WITH OR WITHOUT POLYCYSTIC LIVER DISEASE; POLYCYSTIC KIDNEY DISEASE, ADULT, TYPE II. Identifiers: MedGen C2751306, MONDO:0013131, OMIM 613095.

Submission:

Variantyx, Inc.
Classification: Likely pathogenic for Polycystic kidney disease 2. Last evaluated: 2025-10-23. Review status: criteria provided, single submitter. Criteria: Variantyx Assertion Criteria 2022. Collection method: clinical testing. Allele origin: germline. Inheritance: Autosomal dominant inheritance. Affected: yes.
Comment: This is a frameshift variant in the PKD2 gene (OMIM: 173910). Pathogenic variants in this gene have been associated with autosomal dominant polycystic kidney disease 2. This variant introduces a premature termination codon in exon 2 out of 15 and is expected to result in loss of function, which is a known disease mechanism for PKD2 in this disorder (PMID: 20301424) (PVS1). This variant is absent from control populations (PM2) and has not been reported in individuals with PKD2-related disorders in the databases available for review. Based on the current evidence, this variant is classified as likely pathogenic for autosomal dominant polycystic kidney disease 2.

Literature cited by the submitters: PubMed 20301424.